The following is an entry in ClinVar:

ClinVar aggregate classification (germline): Likely benign (1 of 4 stars; one submission).

Submission:

CeGaT Center for Human Genetics Tuebingen
Classification: Likely benign. Last evaluated: 2023-03-01. Review status: criteria provided, single submitter. Criteria: CeGaT Center For Human Genetics Tuebingen Variant Classification Criteria Version 2. Collection method: clinical testing. Allele origin: germline. Affected: yes. Observed: 1 variant allele.
Comment: FAT2: PM2:Supporting, BP4, BP7

NM_001447.3(FAT2):c.7005A>G (p.Gln2335=)

Genes: FAT2 (FAT atypical cadherin 2; minus strand), SLC36A1 (solute carrier family 36 member 1; plus strand). Cytogenetic location: 5q33.1.
Variant type: single nucleotide variant.
Coding change: c.7005A>G on transcript NM_001447.3 (MANE Select); coding-DNA position 7005, A replaced by G.
Protein change: p.Gln2335=; no amino-acid change (glutamine 2335 retained).
Molecular consequence: synonymous variant.
Genome position (GRCh38, 1-based): chr5:151,544,122, T>C on the plus strand (A>G on the coding strand, the complement: FAT2 is on the minus strand). VCF-style: chr5-151544122-T-C. GRCh37 (hg19) VCF-style: chr5-150923683-T-C.
Identifiers: ClinVar variation 2655958 (VCV002655958.24), dbSNP rs2479850512, ClinGen allele CA447416555.